The following is an entry in ClinVar:

ClinVar aggregate classification (germline): Uncertain significance. Review status: criteria provided, multiple submitters, no conflicts (2 of 4 stars). 2 submissions from 2 submitters: Uncertain significance (2). Last evaluated 2025-04-28.

Conditions:
Combined immunodeficiency due to OX40 deficiency. Also called: OX40 DEFICIENCY; Immunodeficiency 16. Identifiers: Orphanet 431149, MedGen C3810053, MONDO:0014268, OMIM 615593.

Allele frequency attached by ClinVar (database versions not stated): ExAC 0.00002; gnomAD 0.00002; gnomAD exomes 0.00003; TOPMed 0.00003.

Submissions (2):

Labcorp Genetics (formerly Invitae), Labcorp
Classification: Uncertain significance for Combined immunodeficiency due to OX40 deficiency. Last evaluated: 2025-04-28. Review status: criteria provided, single submitter. Criteria: Invitae Variant Classification Sherloc (09022015). Collection method: clinical testing. Allele origin: germline.
Comment: This sequence change replaces threonine, which is neutral and polar, with methionine, which is neutral and non-polar, at codon 100 of the TNFRSF4 protein (p.Thr100Met). The frequency data for this variant in the population databases is considered unreliable, as metrics indicate poor data quality at this position in the gnomAD database. This variant has not been reported in the literature in individuals affected with TNFRSF4-related conditions. ClinVar contains an entry for this variant (Variation ID: 1363409). Invitae Evidence Modeling of protein sequence and biophysical properties (such as structural, functional, and spatial information, amino acid conservation, physicochemical variation, residue mobility, and thermodynamic stability) indicates that this missense variant is expected to disrupt TNFRSF4 protein function with a positive predictive value of 80%. In summary, the available evidence is currently insufficient to determine the role of this variant in disease. Therefore, it has been classified as a Variant of Uncertain Significance.

Ambry Genetics
Classification: Uncertain significance. Last evaluated: 2025-01-19. Review status: criteria provided, single submitter. Criteria: Ambry Variant Classification Scheme 2023. Collection method: clinical testing. Allele origin: germline.

NM_003327.4(TNFRSF4):c.299C>T (p.Thr100Met)

Gene: TNFRSF4 (TNF receptor superfamily member 4; minus strand). Cytogenetic location: 1p36.33.
Variant type: single nucleotide variant.
Coding change: c.299C>T on transcript NM_003327.4 (MANE Select); coding-DNA position 299, C replaced by T.
Protein change: p.Thr100Met; replaces threonine 100 with methionine.
Molecular consequence: missense variant.
Genome position (GRCh38, 1-based): chr1:1,213,063, G>A on the plus strand (C>T on the coding strand, the complement: TNFRSF4 is on the minus strand). VCF-style: chr1-1213063-G-A. GRCh37 (hg19) VCF-style: chr1-1148443-G-A.
Other names: c.299C>T (NM_003327.3); short protein forms T100M.
Identifiers: ClinVar variation 1363409 (VCV001363409.9), dbSNP rs762131334, ClinGen allele CA512536.